The following is an entry in ClinVar:

ClinVar aggregate classification (germline): Pathogenic. Review status: criteria provided, multiple submitters, no conflicts (2 of 4 stars). 3 submissions from 3 submitters: Pathogenic (3). Last evaluated 2026-05-06.

Conditions:
Hereditary cancer-predisposing syndrome. Also called: Tumor predisposition; Hereditary neoplastic syndrome; Neoplastic Syndromes, Hereditary; Hereditary Cancer Syndrome. Identifiers: Orphanet 140162, MedGen C0027672, MeSH D009386, MONDO:0015356.
Familial adenomatous polyposis 4 (FAP4). Also called: MSH3-related attenuated familial adenomatous polyposis. Identifiers: Orphanet 480536, MedGen C4310719, MONDO:0044300, OMIM 617100.

Submissions (3):

Ambry Genetics
Classification: Pathogenic for Hereditary cancer-predisposing syndrome. Last evaluated: 2026-05-06. Review status: criteria provided, single submitter. Criteria: Ambry Variant Classification Scheme 2023. Collection method: clinical testing. Allele origin: germline.
Comment: The c.3150delT pathogenic mutation, located in coding exon 23 of the MSH3 gene, results from a deletion of one nucleotide at nucleotide position 3150, causing a translational frameshift with a predicted alternate stop codon (p.D1051Ifs*9). This variant is considered to be rare based on population cohorts in the Genome Aggregation Database (gnomAD). This alteration is expected to result in loss of function by premature protein truncation or nonsense-mediated mRNA decay. As such, this alteration is interpreted as a disease-causing mutation.

Myriad Genetics, Inc.
Classification: Pathogenic for Familial adenomatous polyposis 4. Last evaluated: 2025-08-06. Review status: criteria provided, single submitter. Criteria: Myriad Autosomal Dominant, Autosomal Recessive and X-Linked Classification Criteria (2023). Collection method: clinical testing. Allele origin: unknown.
Comment: This variant is considered pathogenic. This variant creates a frameshift predicted to result in premature protein truncation.

Labcorp Genetics (formerly Invitae), Labcorp
Classification: Pathogenic. Last evaluated: 2023-10-04. Review status: criteria provided, single submitter. Criteria: Invitae Variant Classification Sherloc (09022015). Collection method: clinical testing. Allele origin: germline.
Comment: This sequence change creates a premature translational stop signal (p.Asp1051Ilefs*9) in the MSH3 gene. It is expected to result in an absent or disrupted protein product. Loss-of-function variants in MSH3 are known to be pathogenic (PMID: 27476653, 37402566). This variant is not present in population databases (gnomAD no frequency). This variant has not been reported in the literature in individuals affected with MSH3-related conditions. For these reasons, this variant has been classified as Pathogenic.

Literature cited by the submitters: PubMed 27476653 (cited by Labcorp Genetics (formerly Invitae), Labcorp); PubMed 37402566 (cited by Labcorp Genetics (formerly Invitae), Labcorp).

NM_002439.5(MSH3):c.3150del (p.Asp1051fs)

Gene: MSH3 (mutS homolog 3; plus strand). Cytogenetic location: 5q14.1.
Variant type: Deletion.
Coding change: c.3150del on transcript NM_002439.5 (MANE Select); coding-DNA position 3150, one base deleted (T; older notation c.3150delT).
Protein change: p.Asp1051fs; shifts the reading frame from aspartic acid 1051.
Molecular consequence: frameshift variant.
Genome position (GRCh38, 1-based): chr5:80,873,135, T deleted. VCF-style (leftmost placement, unchanged base first): chr5-80873134-CT-C. GRCh37 (hg19) VCF-style: chr5-80168953-CT-C.
Other names: c.3150delT (NM_002439.3); short protein forms D1051fs.
Identifiers: ClinVar variation 2829179 (VCV002829179.5), dbSNP rs2478804926, ClinGen allele CA2739274798.